The following is an entry in ClinVar:

NM_001042492.3(NF1):c.1008G>A (p.Trp336Ter)

Gene: NF1 (neurofibromin 1; plus strand). Cytogenetic location: 17q11.2.
Variant type: single nucleotide variant.
Coding change: c.1008G>A on transcript NM_001042492.3 (MANE Select); coding-DNA position 1008, G replaced by A.
Protein change: p.Trp336Ter; replaces tryptophan 336 with a stop codon.
Molecular consequence: nonsense.
Genome position (GRCh38, 1-based): chr17:31,200,541, G>A. VCF-style: chr17-31200541-G-A. GRCh37 (hg19) VCF-style: chr17-29527559-G-A.
Other names: c.1008G>A, p.Trp336Ter (NM_000267.4, NM_001128147.3); short protein forms W336*.
Identifiers: ClinVar variation 1207499 (VCV001207499.12), dbSNP rs2143873786, ClinGen allele CA398996268.

ClinVar aggregate classification (germline): Pathogenic. Review status: criteria provided, multiple submitters, no conflicts (2 of 4 stars). 5 submissions from 5 submitters: Pathogenic (5). Last evaluated 2026-06-01.

Conditions:
Neurofibromatosis, type 1 (NF1). Also called: Neurofibromatosis, type I; NEUROFIBROMATOSIS, TYPE I, SOMATIC; VON RECKLINGHAUSEN DISEASE; Peripheral type neurofibromatosis. Identifiers: Orphanet 636, MedGen C0027831, MONDO:0018975, OMIM 162200. Disease mechanism: loss of function.
NF1-related disorder. Also called: NF1-related condition. Identifiers: MedGen CN379171.

Submissions (5):

Myriad Genetics, Inc.
Classification: Pathogenic for Neurofibromatosis, type 1. Last evaluated: 2026-06-01. Review status: criteria provided, single submitter. Criteria: Myriad Autosomal Dominant, Autosomal Recessive and X-Linked Classification Criteria (2023). Collection method: clinical testing. Allele origin: unknown.
Comment: This variant is considered pathogenic. This variant creates a termination codon and is predicted to result in premature protein truncation.

Labcorp Genetics (formerly Invitae), Labcorp
Classification: Pathogenic for Neurofibromatosis, type 1. Last evaluated: 2026-01-15. Review status: criteria provided, single submitter. Criteria: Invitae Variant Classification Sherloc (09022015). Collection method: clinical testing. Allele origin: germline.
Comment: This sequence change creates a premature translational stop signal (p.Trp336*) in the NF1 gene. It is expected to result in an absent or disrupted protein product. Loss-of-function variants in NF1 are known to be pathogenic (PMID: 10712197, 23913538). This variant is not present in population databases (gnomAD no frequency). This premature translational stop signal has been observed in individual(s) with neurofibromatosis type 1 (PMID: 25074460). ClinVar contains an entry for this variant (Variation ID: 1207499). Algorithms developed to predict the effect of sequence changes on RNA splicing suggest that this variant may disrupt the consensus splice site. For these reasons, this variant has been classified as Pathogenic.

PreventionGenetics, part of Exact Sciences
Classification: Pathogenic for NF1-related condition. Last evaluated: 2025-04-12. Review status: criteria provided, single submitter. Criteria: ACMG Guidelines, 2015. Collection method: clinical testing. Allele origin: germline.
Comment: The NF1 c.1008G>A variant is predicted to result in premature protein termination (p.Trp336*). This variant was reported in an individual with neurofibromatosis 1 (Supplementary Table S3, Pasmant et al. 2015. PubMed ID: 25074460). This variant has not been reported in a large population database (gnomAD), indicating this variant is rare. This variant has been interpreted as pathogenic in ClinVar. Nonsense variants in NF1 are expected to be pathogenic. This variant is interpreted as pathogenic.

Genome-Nilou Lab
Classification: Pathogenic for Neurofibromatosis, type 1. Last evaluated: 2022-03-15. Review status: criteria provided, single submitter. Criteria: ACMG Guidelines, 2015. Collection method: clinical testing. Allele origin: germline. Affected: no.

GeneDx
Classification: Pathogenic. Last evaluated: 2020-10-20. Review status: criteria provided, single submitter. Criteria: GeneDx Variant Classification Process June 2021. Collection method: clinical testing. Allele origin: germline. Affected: yes.
Comment: Nonsense variant predicted to result in protein truncation or nonsense mediated decay in a gene for which loss-of-function is a known mechanism of disease; Not observed in large population cohorts (Lek et al., 2016); This variant is associated with the following publications: (PMID: 15146469, 16941471, 26214590, 25074460, 10874316)

Literature cited by the submitters: PubMed 10712197 (cited by Labcorp Genetics (formerly Invitae), Labcorp); PubMed 23913538 (cited by Labcorp Genetics (formerly Invitae), Labcorp); PubMed 25074460 (cited by Labcorp Genetics (formerly Invitae), Labcorp).